The following is an entry in ClinVar:

ClinVar aggregate classification (germline): Likely pathogenic (1 of 4 stars; one submission).

Conditions:
Autosomal recessive limb-girdle muscular dystrophy type 2J (LGMDR10). Also called: Limb-girdle muscular dystrophy, type 2J; MUSCULAR DYSTROPHY, LIMB-GIRDLE, AUTOSOMAL RECESSIVE 10. Identifiers: Orphanet 140922, MedGen C1837342, MONDO:0012127, OMIM 608807.
Dilated cardiomyopathy 1G (CMD1G). Identifiers: Orphanet 154, MedGen C1858763, MONDO:0011400, OMIM 604145.

Submission:

Labcorp Genetics (formerly Invitae), Labcorp
Classification: Likely pathogenic for Dilated cardiomyopathy 1G; Autosomal recessive limb-girdle muscular dystrophy type 2J. Last evaluated: 2025-04-17. Review status: criteria provided, single submitter. Criteria: Invitae Variant Classification Sherloc (09022015). Collection method: clinical testing. Allele origin: germline.
Comment: This sequence change creates a premature translational stop signal (p.Asn23869Thrfs*31) in the TTN gene. While this is not anticipated to result in nonsense mediated decay, it is expected to create a truncated TTN protein. This variant is not present in population databases (gnomAD no frequency). This variant has not been reported in the literature in individuals affected with TTN-related conditions. This variant is located in the A band of TTN (PMID: 25589632). Truncating variants in this region are significantly overrepresented in patients affected with dilated cardiomyopathy (PMID: 25589632). Truncating variants in this region have also been reported in individuals affected with autosomal recessive centronuclear myopathy (PMID: 23975875). In summary, the currently available evidence indicates that the variant is pathogenic, but additional data are needed to prove that conclusively. Therefore, this variant has been classified as Likely Pathogenic.

Literature cited by the submitters: PubMed 25589632; PubMed 23975875.

NM_001267550.2(TTN):c.71598_71601dup (p.Asn23869fs)

Genes: TTN-AS1 (TTN antisense RNA 1; plus strand), TTN (titin; minus strand). Cytogenetic location: 2q31.2.
Variant type: Duplication.
Coding change: c.71598_71601dup on transcript NM_001267550.2 (MANE Select); coding-DNA positions 71598 to 71601, 4 bases duplicated (AGAA; older notation c.71598_71601dupAGAA).
Protein change: p.Asn23869fs; shifts the reading frame from asparagine 23869.
Molecular consequence: frameshift variant.
Genome position (GRCh38, 1-based): chr2:178,574,531-178,574,534, TTCT duplicated on the plus strand (AGAA on the coding strand, the reverse complement: TTN is on the minus strand); duplicating any 4 consecutive bases within chr2:178,574,531-178,574,536 gives the same sequence; the c. name uses the placement nearest the transcript's 3' end. VCF-style (leftmost placement, unchanged base first): chr2-178574530-G-GTTCT. GRCh37 (hg19) VCF-style: chr2-179439257-G-GTTCT.
Other names: c.66675_66678dup, p.Asn22228fs (NM_001256850.1); c.44403_44406dup, p.Asn14804fs (NM_003319.4); c.63894_63897dup, p.Asn21301fs (NM_133378.4); c.44778_44781dup, p.Asn14929fs (NM_133432.3); c.44979_44982dup, p.Asn14996fs (NM_133437.4); short protein forms N23869fs, N14804fs, N14929fs, N14996fs, N21301fs, N22228fs.
Identifiers: ClinVar variation 4784725 (VCV004784725.1).
Genomic context (GRCh38, chr2:178,574,530, plus strand): 5'-ATTTGAAAATGTTGCCTGGTACTAAAGCTTTGCTCACAGTCTGCCAGAGAATACCATTTC[G>GTTCT]TTCTTTTCTTTCAACATGATATCCTAAAATGGGGCTTCCACCATCAGAAAGTGGCTCATG-3'